The following is an entry in ClinVar:

ClinVar aggregate classification (germline): Conflicting classifications of pathogenicity. Review status: criteria provided, conflicting classifications (1 of 4 stars). 2 submissions from 2 submitters: Uncertain significance (1); Likely benign (1). Last evaluated 2025-12-03.

Conditions:
Inborn genetic diseases. Identifiers: MedGen C0950123, MeSH D030342.
Developmental and epileptic encephalopathy, 32 (DEE32). Also called: Epileptic encephalopathy, early infantile, 32. Identifiers: Orphanet 442835, MedGen C4225350, MONDO:0014607, OMIM 616366.

Allele frequency attached by ClinVar (database versions not stated): gnomAD exomes 0.00001; gnomAD 0.00002; TOPMed 0.00002; ExAC 0.00003.
gnomAD v4.1: 22 of 1,614,060 alleles (0.0014%); highest among the groups gnomAD compares: African/African-American, 0.0027%; no homozygotes.

Submissions (2):

Labcorp Genetics (formerly Invitae), Labcorp
Classification: Likely benign for Developmental and epileptic encephalopathy, 32. Last evaluated: 2025-12-03. Review status: criteria provided, single submitter. Criteria: Invitae Variant Classification Sherloc (09022015). Collection method: clinical testing. Allele origin: germline.

Ambry Genetics
Classification: Uncertain significance for Inborn genetic diseases. Last evaluated: 2017-04-04. Review status: criteria provided, single submitter. Criteria: Ambry Variant Classification Scheme 2023. Collection method: clinical testing. Allele origin: germline.
Comment: The p.G197D variant (also known as c.590G>A), located in coding exon 1 of the KCNA2 gene, results from a G to A substitution at nucleotide position 590. The glycine at codon 197 is replaced by aspartic acid, an amino acid with similar properties. This amino acid position is well conserved in available vertebrate species. In addition, this alteration is predicted to be deleterious by in silico analysis. Since supporting evidence is limited at this time, the clinical significance of this alteration remains unclear.

NM_004974.4(KCNA2):c.590G>A (p.Gly197Asp)

Gene: KCNA2 (potassium voltage-gated channel subfamily A member 2; minus strand). Cytogenetic location: 1p13.3.
Variant type: single nucleotide variant.
Coding change: c.590G>A on transcript NM_004974.4 (MANE Select); coding-DNA position 590, G replaced by A.
Protein change: p.Gly197Asp; replaces glycine 197 with aspartic acid.
Molecular consequence: missense variant.
Genome position (GRCh38, 1-based): chr1:110,604,193, C>T on the plus strand (G>A on the coding strand, the complement: KCNA2 is on the minus strand). VCF-style: chr1-110604193-C-T. GRCh37 (hg19) VCF-style: chr1-111146815-C-T.
Other names: c.590G>A, p.Gly197Asp (NM_001204269.2); short protein forms G197D.
Identifiers: ClinVar variation 588883 (VCV000588883.13), dbSNP rs752985457, ClinGen allele CA1000697.
Genomic context (GRCh38, chr1:110,604,193, plus strand): 5'-GAAGTGGACTGCTGGTACCCGATGGTGCTGTTGGAATAGGTGTGGAAGGTCACCCCACTA[C>T]CATGCATGTCTTCATTCTCATCCCGGAAGATGGGCAATGTTTCCAGACAGAAGCTGACAA-3'
Protein context (NP_004965.1, residues 187-207): IFRDENEDMH[Gly197Asp]SGVTFHTYSN